The following is an entry in ClinVar:

NM_005026.5(PIK3CD):c.1269C>T (p.Leu423=)

Genes: PIK3CD (phosphatidylinositol-4,5-bisphosphate 3-kinase catalytic subunit delta; plus strand), LOC126805612 (MED14-independent group 3 enhancer GRCh37_chr1:9778914-9780113; plus strand). Cytogenetic location: 1p36.22.
Variant type: single nucleotide variant.
Coding change: c.1269C>T on transcript NM_005026.5 (MANE Select); coding-DNA position 1269, C replaced by T.
Protein change: p.Leu423=; no amino-acid change (leucine 423 retained).
Molecular consequence: synonymous variant.
Genome position (GRCh38, 1-based): chr1:9,719,947, C>T. VCF-style: chr1-9719947-C-T. GRCh37 (hg19) VCF-style: chr1-9780005-C-T.
Other names: c.1269C>T, p.Leu423= (NM_001350234.2); c.1182C>T, p.Leu394= (NM_001350235.1).
Identifiers: ClinVar variation 2152846 (VCV002152846.6), dbSNP rs528003838, ClinGen allele CA577140.

ClinVar aggregate classification (germline): Likely benign. Review status: criteria provided, single submitter (1 of 4 stars). 2 submissions from 2 submitters: Likely benign (1). 1 of the submissions does not count toward it. Last evaluated 2025-09-30.

Conditions:
PIK3CD-related disorder. Also called: PIK3CD-related condition.
Immunodeficiency 14 (IMD14A). Also called: IMMUNODEFICIENCY 14A WITH LYMPHOPROLIFERATION, AUTOSOMAL DOMINANT; Activated PI3K Delta Syndrome Type 1 (APDS1); p110-DELTA-ACTIVATING MUTATION CAUSING SENESCENT T CELLS, LYMPHADENOPATHY, AND IMMUNODEFICIENCY; ACTIVATED PI3K-DELTA SYNDROME 1. Identifiers: Orphanet 397596, Orphanet 693661, MedGen C5907821, MONDO:0014222, OMIM 615513.

Allele frequency attached by ClinVar (database versions not stated): gnomAD exomes 0.00003; gnomAD 0.00004; ExAC 0.00007; 1000 Genomes Project 30x 0.00016; 1000 Genomes Project 0.00020.
gnomAD v4.1: 52 of 1,613,828 alleles (0.0032%); highest among the groups gnomAD compares: South Asian, 0.053%; no homozygotes.

Submissions (2):

Labcorp Genetics (formerly Invitae), Labcorp
Classification: Likely benign for Activated PI3K-delta syndrome. Last evaluated: 2025-09-30. Review status: criteria provided, single submitter. Criteria: Invitae Variant Classification Sherloc (09022015). Collection method: clinical testing. Allele origin: germline.

PreventionGenetics, part of Exact Sciences
Classification: Likely benign for PIK3CD-related condition. Last evaluated: 2019-05-23. Review status: no assertion criteria provided. Collection method: clinical testing. Allele origin: germline. Not counted in ClinVar's aggregate classification.
Comment: This variant is classified as likely benign based on ACMG/AMP sequence variant interpretation guidelines (Richards et al. 2015 PMID: 25741868, with internal and published modifications).